The following is an entry in ClinVar:

ClinVar aggregate classification (germline): Benign/Likely benign. Review status: criteria provided, multiple submitters, no conflicts (2 of 4 stars). 5 submissions from 5 submitters: Benign (2); Likely benign (3). Last evaluated 2026-01-13.

Conditions:
Xanthinuria type II. Also called: Xanthine dehydrogenase and aldehyde oxidase combined deficiency of; XDH and AOX dual deficiency. Identifiers: Orphanet 3467, Orphanet 93602, MedGen C1863688, MONDO:0011346, OMIM 603592.
Hereditary xanthinuria type 1 (XAN1). Identifiers: Orphanet 3467, Orphanet 93601, MedGen C0268118, MONDO:0010209, OMIM 278300.

Allele frequency attached by ClinVar (database versions not stated): gnomAD exomes 0.00043 and 0.00117; ExAC 0.00118; 1000 Genomes Project 30x 0.00281; 1000 Genomes Project 0.00339; ESP Exome Variant Server 0.00400; gnomAD 0.00456 and 0.00485; TOPMed 0.00505.
gnomAD v4.1: 1,359 of 1,614,152 alleles (0.084%); highest among the groups gnomAD compares: African/African-American, 1.5%; 9 homozygotes.

Submissions (5):

Labcorp Genetics (formerly Invitae), Labcorp
Classification: Benign for Xanthinuria type II. Last evaluated: 2026-01-13. Review status: criteria provided, single submitter. Criteria: Invitae Variant Classification Sherloc (09022015). Collection method: clinical testing. Allele origin: germline.

Mayo Clinic Laboratories, Mayo Clinic
Classification: Likely benign. Last evaluated: 2025-02-24. Review status: criteria provided, single submitter. Criteria: ACMG Guidelines, 2015. Collection method: clinical testing. Allele origin: germline. Observed: 2 variant alleles.
Comment: BS1, BP4_moderate

Blueprint Genetics
Classification: Likely benign. Last evaluated: 2024-11-13. Review status: criteria provided, single submitter. Criteria: ACMG Guidelines, 2015. Collection method: clinical testing. Allele origin: germline.

Genome-Nilou Lab
Classification: Benign for Hereditary xanthinuria type 1. Last evaluated: 2021-12-05. Review status: criteria provided, single submitter. Criteria: ACMG Guidelines, 2015. Collection method: clinical testing. Allele origin: germline. Affected: no.

Illumina Laboratory Services, Illumina
Classification: Likely benign for Hereditary xanthinuria type 1. Last evaluated: 2018-01-13. Review status: criteria provided, single submitter. Criteria: ICSL Variant Classification Criteria 13 December 2019. Collection method: clinical testing. Allele origin: germline.
Comment: This variant was observed in the ICSL laboratory as part of a predisposition screen in an ostensibly healthy population. It had not been previously curated by ICSL or reported in the Human Gene Mutation Database (HGMD: prior to June 1st, 2018), and was therefore a candidate for classification through an automated scoring system. Utilizing variant allele frequency, disease prevalence and penetrance estimates, and inheritance mode, an automated score was calculated to assess if this variant is too frequent to cause the disease. Based on the score and internal cut-off values, a variant classified as likely benign is not then subjected to further curation. The score for this variant resulted in a classification of likely benign for this disease.

NM_000379.4(XDH):c.3937A>G (p.Lys1313Glu)

Gene: XDH (xanthine dehydrogenase; minus strand). Cytogenetic location: 2p23.1.
Variant type: single nucleotide variant.
Coding change: c.3937A>G on transcript NM_000379.4 (MANE Select); coding-DNA position 3937, A replaced by G.
Protein change: p.Lys1313Glu; replaces lysine 1313 with glutamic acid.
Molecular consequence: missense variant.
Genome position (GRCh38, 1-based): chr2:31,337,655, T>C on the plus strand (A>G on the coding strand, the complement: XDH is on the minus strand). VCF-style: chr2-31337655-T-C. GRCh37 (hg19) VCF-style: chr2-31560521-T-C.
Other names: p.Lys1313Glu; short protein forms K1313E.
Identifiers: ClinVar variation 335755 (VCV000335755.17), dbSNP rs141335716, ClinGen allele CA1598211.